The following is an entry in ClinVar:

NM_001378778.1(MPDZ):c.2986A>G (p.Met996Val)

Gene: MPDZ (multiple PDZ domain crumbs cell polarity complex component; minus strand). Cytogenetic location: 9p23.
Variant type: single nucleotide variant.
Coding change: c.2986A>G on transcript NM_001378778.1 (MANE Select); coding-DNA position 2986, A replaced by G.
Protein change: p.Met996Val; replaces methionine 996 with valine.
Molecular consequence: missense variant.
Genome position (GRCh38, 1-based): chr9:13,175,821, T>C on the plus strand (A>G on the coding strand, the complement: MPDZ is on the minus strand). VCF-style: chr9-13175821-T-C. GRCh37 (hg19) VCF-style: chr9-13175820-T-C.
Other names: c.2986A>G, p.Met996Val (NM_001261406.2, NM_001261407.2, NM_001330637.2 and 14 more transcripts); short protein forms M996V.
Identifiers: ClinVar variation 1466855 (VCV001466855.8), dbSNP rs371781743, ClinGen allele CA4987305.

ClinVar aggregate classification (germline): Uncertain significance (1 of 4 stars; one submission).

Allele frequency attached by ClinVar (database versions not stated): gnomAD exomes below 0.00001; TOPMed 0.00001; gnomAD 0.00002; ESP Exome Variant Server 0.00008.
gnomAD v4.1: 9 of 1,589,680 alleles (0.00057%); highest among the groups gnomAD compares: African/African-American, 0.0054%; no homozygotes.

Submission:

Labcorp Genetics (formerly Invitae), Labcorp
Classification: Uncertain significance. Last evaluated: 2022-01-06. Review status: criteria provided, single submitter. Criteria: Invitae Variant Classification Sherloc (09022015). Collection method: clinical testing. Allele origin: germline.
Comment: In summary, the available evidence is currently insufficient to determine the role of this variant in disease. Therefore, it has been classified as a Variant of Uncertain Significance. Algorithms developed to predict the effect of missense changes on protein structure and function (SIFT, PolyPhen-2, Align-GVGD) all suggest that this variant is likely to be tolerated. This variant has not been reported in the literature in individuals affected with MPDZ-related conditions. This variant is present in population databases (rs371781743, gnomAD 0.009%). This sequence change replaces methionine, which is neutral and non-polar, with valine, which is neutral and non-polar, at codon 996 of the MPDZ protein (p.Met996Val).